The following is an entry in ClinVar:

ClinVar aggregate classification (germline): Conflicting classifications of pathogenicity. Review status: criteria provided, conflicting classifications (1 of 4 stars). 7 submissions from 7 submitters: Uncertain significance (1); Benign (1); Likely benign (5). Last evaluated 2026-01-26.

Conditions:
Colorectal cancer. Also called: Malignant Colorectal Neoplasm; Colorectal cancer, somatic. Identifiers: MedGen C0346629, MONDO:0005575, OMIM 114500.
Endometrial carcinoma. Also called: Endometrial carcinoma, somatic. Identifiers: MedGen C0476089, MONDO:0002447, OMIM 608089, HP:0012114.
Colorectal cancer, hereditary nonpolyposis, type 7. Identifiers: Orphanet 144, MedGen C1858380, MONDO:0013725, OMIM 614385.

Allele frequency attached by ClinVar (database versions not stated): ExAC 0.00048; gnomAD exomes 0.00015 and 0.00038; TOPMed 0.00166; gnomAD 0.00168 and 0.00153; 1000 Genomes Project 0.00160; 1000 Genomes Project 30x 0.00141; ESP Exome Variant Server 0.00154.
gnomAD v4.1: 455 of 1,614,022 alleles (0.028%); highest among the groups gnomAD compares: African/African-American, 0.53%; 1 homozygote.

Submissions (7):

Dasa
Classification: Likely benign. Last evaluated: 2026-01-26. Review status: criteria provided, single submitter. Criteria: DASA Assertion Criteria. Collection method: clinical testing. Allele origin: germline.
Comment: NM_001040108.2(MLH3):c.2167G>A (p.Val723Ile) is a missense variant that results in the substitution of valine with isoleucine. Multiple computational predictions suggest no deleterious effect on the gene or gene product. Based on the available data, this variant is classified as likely benign.

Labcorp Genetics (formerly Invitae), Labcorp
Classification: Benign for Colorectal cancer, hereditary nonpolyposis, type 7. Last evaluated: 2026-01-26. Review status: criteria provided, single submitter. Criteria: Invitae Variant Classification Sherloc (09022015). Collection method: clinical testing. Allele origin: germline.

Center for Genomic Medicine, Rigshospitalet, Copenhagen University Hospital
Classification: Uncertain significance. Last evaluated: 2025-03-04. Review status: criteria provided, single submitter. Criteria: ACMG Guidelines, 2015. Collection method: clinical testing. Allele origin: germline.

Department of Pathology and Laboratory Medicine, Sinai Health System
Classification: Likely benign for Colorectal cancer; Endometrial carcinoma; Colorectal cancer, hereditary nonpolyposis, type 7. Last evaluated: 2024-11-25. Review status: criteria provided, single submitter. Criteria: ACMG Guidelines, 2015. Collection method: clinical testing. Allele origin: germline.

ARUP Laboratories, Molecular Genetics and Genomics, ARUP Laboratories
Classification: Likely benign. Last evaluated: 2024-02-15. Review status: criteria provided, single submitter. Criteria: ARUP Molecular Germline Variant Investigation Process 2024. Collection method: clinical testing. Allele origin: germline.

Ambry Genetics
Classification: Likely benign. Last evaluated: 2020-06-25. Review status: criteria provided, single submitter. Criteria: Ambry Variant Classification Scheme 2023. Collection method: clinical testing. Allele origin: germline.

Illumina Laboratory Services, Illumina
Classification: Likely benign for Colorectal cancer, hereditary nonpolyposis, type 7. Last evaluated: 2018-01-13. Review status: criteria provided, single submitter. Criteria: ICSL Variant Classification Criteria 13 December 2019. Collection method: clinical testing. Allele origin: germline.
Comment: This variant was observed in the ICSL laboratory as part of a predisposition screen in an ostensibly healthy population. It had not been previously curated by ICSL or reported in the Human Gene Mutation Database (HGMD: prior to June 1st, 2018), and was therefore a candidate for classification through an automated scoring system. Utilizing variant allele frequency, disease prevalence and penetrance estimates, and inheritance mode, an automated score was calculated to assess if this variant is too frequent to cause the disease. Based on the score and internal cut-off values, a variant classified as likely benign is not then subjected to further curation. The score for this variant resulted in a classification of likely benign for this disease.

NM_001040108.2(MLH3):c.2167G>A (p.Val723Ile)

Gene: MLH3 (mutL homolog 3; minus strand). Cytogenetic location: 14q24.3.
Variant type: single nucleotide variant.
Coding change: c.2167G>A on transcript NM_001040108.2 (MANE Select); coding-DNA position 2167, G replaced by A.
Protein change: p.Val723Ile; replaces valine 723 with isoleucine.
Molecular consequence: missense variant.
Genome position (GRCh38, 1-based): chr14:75,047,489, C>T on the plus strand (G>A on the coding strand, the complement: MLH3 is on the minus strand). VCF-style: chr14-75047489-C-T. GRCh37 (hg19) VCF-style: chr14-75514192-C-T.
Other names: c.2167G>A, p.Val723Ile (NM_014381.3); short protein forms V723I.
Identifiers: ClinVar variation 314385 (VCV000314385.28), dbSNP rs28756989, ClinGen allele CA7275745.
Genomic context (GRCh38, chr14:75,047,489, plus strand): 5'-TACGGACGATTGGTTTGGAGAAACCAATTAATTTATCTGTTTTCCTACTATCATTGGAAA[C>T]GTGTCTATACCAGGGGAAAGAGGGGGATGTATCAGATAATATGCAATCTGTTTGTGATTT-3'
Protein context (NP_001035197.1, residues 713-733): TSPSFPWYRH[Val723Ile]SNDSRKTDKL